The following is an entry in ClinVar:

NM_005327.7(HADH):c.866C>G (p.Pro289Arg)

Gene: HADH (hydroxyacyl-CoA dehydrogenase; plus strand). Cytogenetic location: 4q25.
Variant type: single nucleotide variant.
Coding change: c.866C>G on transcript NM_005327.7 (MANE Select); coding-DNA position 866, C replaced by G.
Protein change: p.Pro289Arg; replaces proline 289 with arginine.
Molecular consequence: missense variant.
Genome position (GRCh38, 1-based): chr4:108,034,278, C>G. VCF-style: chr4-108034278-C-G. GRCh37 (hg19) VCF-style: chr4-108955434-C-G.
Other names: c.917C>G, p.Pro306Arg (NM_001184705.4); c.878C>G, p.Pro293Arg (NM_001331027.2); short protein forms P289R, P293R, P306R.
Identifiers: ClinVar variation 4776002 (VCV004776002.1).
Genomic context (GRCh38, chr4:108,034,278, plus strand): 5'-TCTCTTCCCTCCGCTCAATAGGGTGGCATGAAATGGATGCAGAGAACCCATTACATCAGC[C>G]CAGCCCATCCTTAAATAAGCTGGTAGCAGAGAACAAGTTCGGCAAGAAGACTGGAGAAGG-3'
Protein context (NP_005318.6, residues 279-299): EMDAENPLHQ[Pro289Arg]SPSLNKLVAE

ClinVar aggregate classification (germline): Uncertain significance (1 of 4 stars; one submission).

Conditions:
Deficiency of 3-hydroxyacyl-CoA dehydrogenase. Also called: HADH DEFICIENCY; 3-hydroxyacyl-CoA dehydrogenase deficiency. Identifiers: Orphanet 309127, Orphanet 71212, MedGen C1291230, MONDO:0017715, OMIM 231530.

gnomAD v4.1: 1 of 1,612,998 alleles (0.000062%); highest among the groups gnomAD compares: Admixed American, 0.0017%; no homozygotes.

Submission:

Labcorp Genetics (formerly Invitae), Labcorp
Classification: Uncertain significance for Deficiency of 3-hydroxyacyl-CoA dehydrogenase. Last evaluated: 2025-10-23. Review status: criteria provided, single submitter. Criteria: Invitae Variant Classification Sherloc (09022015). Collection method: clinical testing. Allele origin: germline.
Comment: This sequence change replaces proline, which is neutral and non-polar, with arginine, which is basic and polar, at codon 289 of the HADH protein (p.Pro289Arg). This variant is not present in population databases (gnomAD no frequency). This variant has not been reported in the literature in individuals affected with HADH-related conditions. Invitae Evidence Modeling of protein sequence and biophysical properties (such as structural, functional, and spatial information, amino acid conservation, physicochemical variation, residue mobility, and thermodynamic stability) has been performed for this missense variant. However, the output from this modeling did not meet the statistical confidence thresholds required to predict the impact of this variant on HADH protein function. In summary, the available evidence is currently insufficient to determine the role of this variant in disease. Therefore, it has been classified as a Variant of Uncertain Significance.